The following is an entry in ClinVar:

NM_000368.5(TSC1):c.2978T>C (p.Leu993Pro)

Gene: TSC1 (TSC complex subunit 1; minus strand). Cytogenetic location: 9q34.13.
Variant type: single nucleotide variant.
Coding change: c.2978T>C on transcript NM_000368.5 (MANE Select); coding-DNA position 2978, T replaced by C.
Protein change: p.Leu993Pro; replaces leucine 993 with proline.
Molecular consequence: missense variant. On other transcripts: non-coding transcript variant (5).
Genome position (GRCh38, 1-based): chr9:132,896,752, A>G on the plus strand (T>C on the coding strand, the complement: TSC1 is on the minus strand). VCF-style: chr9-132896752-A-G. GRCh37 (hg19) VCF-style: chr9-135772139-A-G.
Other names: c.2975T>C, p.Leu992Pro (NM_001162426.2, NM_001406597.1, NM_001406598.1 and 2 more transcripts); c.2825T>C, p.Leu942Pro (NM_001162427.2, NM_001406610.1); c.2615T>C, p.Leu872Pro (NM_001362177.2, NM_001406614.1, NM_001406615.1 and 4 more transcripts); c.2978T>C, p.Leu993Pro (NM_001406592.1, NM_001406593.1, NM_001406594.1 and 2 more transcripts); c.2822T>C, p.Leu941Pro (NM_001406611.1, NM_001406612.1); c.2780T>C, p.Leu927Pro (NM_001406613.1); c.1925T>C, p.Leu642Pro (NM_001406630.1, NM_001406629.1); c.2963T>C, p.Leu988Pro (NM_001406601.1, NM_001406602.1); and 8 more; short protein forms L978P, L987P, L857P, L858P, L871P, L941P, L979P, L992P.
Identifiers: ClinVar variation 4772362 (VCV004772362.1).

ClinVar aggregate classification (germline): Uncertain significance (1 of 4 stars; one submission).

Conditions:
Tuberous sclerosis 1 (TSC1). Identifiers: Orphanet 805, MedGen C1854465, MONDO:0008612, OMIM 191100.

gnomAD v4.1: 3 of 1,613,736 alleles (0.00019%); no homozygotes.

Submission:

Labcorp Genetics (formerly Invitae), Labcorp
Classification: Uncertain significance for Tuberous sclerosis 1. Last evaluated: 2025-01-28. Review status: criteria provided, single submitter. Criteria: Invitae Variant Classification Sherloc (09022015). Collection method: clinical testing. Allele origin: germline.
Comment: This sequence change replaces leucine, which is neutral and non-polar, with proline, which is neutral and non-polar, at codon 993 of the TSC1 protein (p.Leu993Pro). This variant is present in population databases (no rsID available, gnomAD 0.009%). This variant has not been reported in the literature in individuals affected with TSC1-related conditions. Invitae Evidence Modeling of protein sequence and biophysical properties (such as structural, functional, and spatial information, amino acid conservation, physicochemical variation, residue mobility, and thermodynamic stability) indicates that this missense variant is not expected to disrupt TSC1 protein function with a negative predictive value of 95%. In summary, the available evidence is currently insufficient to determine the role of this variant in disease. Therefore, it has been classified as a Variant of Uncertain Significance.